The following is an entry in ClinVar:

ClinVar aggregate classification (germline): Uncertain significance (1 of 4 stars; one submission).

Conditions:
Joubert syndrome. Also called: JOUBERT-BOLTSHAUSER SYNDROME; Familial aplasia of the vermis. Identifiers: Orphanet 475, MedGen C5979921, MONDO:0018772.
Meckel-Gruber syndrome. Also called: DYSENCEPHALIA SPLANCHNOCYSTICA; GRUBER SYNDROME; Dysencephalia splachnocystica. Identifiers: Orphanet 564, MedGen C0265215, MONDO:0018921.

Submission:

Labcorp Genetics (formerly Invitae), Labcorp
Classification: Uncertain significance for Joubert syndrome; Meckel-Gruber syndrome. Last evaluated: 2021-06-01. Review status: criteria provided, single submitter. Criteria: Invitae Variant Classification Sherloc (09022015). Collection method: clinical testing. Allele origin: germline.
Comment: This variant has not been reported in the literature in individuals with CC2D2A-related conditions. Advanced modeling of protein sequence and biophysical properties (such as structural, functional, and spatial information, amino acid conservation, physicochemical variation, residue mobility, and thermodynamic stability) performed at Invitae indicates that this missense variant is expected to disrupt CC2D2A protein function. In summary, the available evidence is currently insufficient to determine the role of this variant in disease. Therefore, it has been classified as a Variant of Uncertain Significance. This sequence change replaces valine with alanine at codon 1055 of the CC2D2A protein (p.Val1055Ala). The valine residue is highly conserved and there is a small physicochemical difference between valine and alanine. This variant is not present in population databases (ExAC no frequency).

NM_001378615.1(CC2D2A):c.3164T>C (p.Val1055Ala)

Genes: CC2D2A (coiled-coil and C2 domain containing 2A; plus strand), FBXL5 (F-box and leucine rich repeat protein 5; minus strand). Cytogenetic location: 4p15.32.
Variant type: single nucleotide variant.
Coding change: c.3164T>C on transcript NM_001378615.1 (MANE Select); coding-DNA position 3164, T replaced by C.
Protein change: p.Val1055Ala; replaces valine 1055 with alanine.
Molecular consequence: missense variant.
Genome position (GRCh38, 1-based): chr4:15,563,504, T>C. VCF-style: chr4-15563504-T-C. GRCh37 (hg19) VCF-style: chr4-15565127-T-C.
Other names: c.3164T>C, p.Val1055Ala (NM_001080522.2); c.3017T>C, p.Val1006Ala (NM_001378617.1); short protein forms V1055A, V1006A.
Identifiers: ClinVar variation 1508718 (VCV001508718.8), dbSNP rs2109065394, ClinGen allele CA356416292.